The following is an entry in ClinVar:

ClinVar aggregate classification (germline): Uncertain significance. Review status: criteria provided, multiple submitters, no conflicts (2 of 4 stars). 3 submissions from 3 submitters: Uncertain significance (3). Last evaluated 2025-02-26.

Conditions:
Familial cold autoinflammatory syndrome 3 (FCAS3). Also called: FAMILIAL ATYPICAL COLD URTICARIA; ANTIBODY DEFICIENCY AND IMMUNE DYSREGULATION, PLCG2-ASSOCIATED. Identifiers: Orphanet 300359, MedGen C3280914, MONDO:0013766, OMIM 614468.
Autoinflammation-PLCG2-associated antibody deficiency-immune dysregulation. Also called: AUTOINFLAMMATION, ANTIBODY DEFICIENCY, AND IMMUNE DYSREGULATION; Autoinflammation, antibody deficiency, and immune dysregulation syndrome; Autoinflammation, antibody deficiency, and immune dysregulation, plcg2-associated. Identifiers: Orphanet 324530, MedGen C3553961, MONDO:0013944, OMIM 614878.

Allele frequency attached by ClinVar (database versions not stated): ExAC 0.00002; gnomAD exomes 0.00002 and 0.00007; gnomAD 0.00004; TOPMed 0.00004.
gnomAD v4.1: 110 of 1,613,984 alleles (0.0068%); highest among the groups gnomAD compares: Non-Finnish European, 0.0088%; no homozygotes.

Submissions (3):

Mayo Clinic Laboratories, Mayo Clinic
Classification: Uncertain significance. Last evaluated: 2025-02-26. Review status: criteria provided, single submitter. Criteria: ACMG Guidelines, 2015. Collection method: clinical testing. Allele origin: germline. Observed: 1 variant allele.
Comment: BP4

Labcorp Genetics (formerly Invitae), Labcorp
Classification: Uncertain significance for Familial cold autoinflammatory syndrome 3. Last evaluated: 2025-02-13. Review status: criteria provided, single submitter. Criteria: Invitae Variant Classification Sherloc (09022015). Collection method: clinical testing. Allele origin: germline.
Comment: This sequence change replaces lysine, which is basic and polar, with arginine, which is basic and polar, at codon 867 of the PLCG2 protein (p.Lys867Arg). This variant is present in population databases (rs767599145, gnomAD 0.006%). This variant has not been reported in the literature in individuals affected with PLCG2-related conditions. ClinVar contains an entry for this variant (Variation ID: 1055942). An algorithm developed to predict the effect of missense changes on protein structure and function outputs the following: PolyPhen-2: "Benign". The arginine amino acid residue is found in multiple mammalian species, which suggests that this missense change does not adversely affect protein function. In summary, the available evidence is currently insufficient to determine the role of this variant in disease. Therefore, it has been classified as a Variant of Uncertain Significance.

Center for Genomics, Ann and Robert H. Lurie Children's Hospital of Chicago
Classification: Uncertain significance for Autoinflammation-PLCG2-associated antibody deficiency-immune dysregulation; Familial cold autoinflammatory syndrome 3. Review status: criteria provided, single submitter. Criteria: ACMG Guidelines, 2015. Collection method: clinical testing. Allele origin: germline.
Comment: PLCG2 NM_002661.4 exon 25 p.Lys867Arg (c.2600A>G):This variant has not been reported in the literature but is present in 0.008% (6/68030) of European alleles in the Genome Aggregation Database. This variant is present in ClinVar (Variation ID:1055942). This variant amino acid Arginine (Arg) is present in multiple species including mammals; this suggests that this variant may not impact the protein. Additional computational prediction tools are unclear. In summary, data on this variant is insufficient for disease classification. Therefore, the clinical significance of this variant is uncertain.

NM_002661.5(PLCG2):c.2600A>G (p.Lys867Arg)

Gene: PLCG2 (phospholipase C gamma 2; plus strand). Cytogenetic location: 16q23.3.
Variant type: single nucleotide variant.
Coding change: c.2600A>G on transcript NM_002661.5 (MANE Select); coding-DNA position 2600, A replaced by G.
Protein change: p.Lys867Arg; replaces lysine 867 with arginine.
Molecular consequence: missense variant.
Genome position (GRCh38, 1-based): chr16:81,931,515, A>G. VCF-style: chr16-81931515-A-G. GRCh37 (hg19) VCF-style: chr16-81965120-A-G.
Other names: p.Lys867Arg; short protein forms K867R.
Identifiers: ClinVar variation 1055942 (VCV001055942.11), dbSNP rs767599145, ClinGen allele CA8194377.